The following is an entry in ClinVar:

NM_004304.5(ALK):c.4066G>A (p.Gly1356Arg)

Gene: ALK (ALK receptor tyrosine kinase; minus strand). Cytogenetic location: 2p23.2.
Variant type: single nucleotide variant.
Coding change: c.4066G>A on transcript NM_004304.5 (MANE Select); coding-DNA position 4066, G replaced by A.
Protein change: p.Gly1356Arg; replaces glycine 1356 with arginine.
Molecular consequence: missense variant.
Genome position (GRCh38, 1-based): chr2:29,197,549, C>T on the plus strand (G>A on the coding strand, the complement: ALK is on the minus strand). VCF-style: chr2-29197549-C-T. GRCh37 (hg19) VCF-style: chr2-29420415-C-T.
Other names: c.862G>A, p.Gly288Arg (NM_001353765.2); short protein forms G1356R, G288R.
Identifiers: ClinVar variation 2452139 (VCV002452139.3), dbSNP rs1669053710, ClinGen allele CA346465798.

ClinVar aggregate classification (germline): Uncertain significance (1 of 4 stars; one submission).

Conditions:
Hereditary cancer-predisposing syndrome. Also called: Neoplastic Syndromes, Hereditary; Tumor predisposition; Hereditary neoplastic syndrome; Hereditary Cancer Syndrome. Identifiers: Orphanet 140162, MedGen C0027672, MeSH D009386, MONDO:0015356.

Allele frequency attached by ClinVar (database versions not stated): TOPMed below 0.00001.

Submission:

Ambry Genetics
Classification: Uncertain significance for Hereditary cancer-predisposing syndrome. Last evaluated: 2025-04-22. Review status: criteria provided, single submitter. Criteria: Ambry Variant Classification Scheme 2023. Collection method: clinical testing. Allele origin: germline.
Comment: The p.G1356R variant (also known as c.4066G>A), located in coding exon 27 of the ALK gene, results from a G to A substitution at nucleotide position 4066. The glycine at codon 1356 is replaced by arginine, an amino acid with dissimilar properties. This amino acid position is highly conserved in available vertebrate species. In addition, this alteration is predicted to be deleterious by in silico analysis. Based on the available evidence, the clinical significance of this variant remains unclear.